The following is an entry in ClinVar:

ClinVar aggregate classification (germline): Benign (0 of 4 stars; one submission).

Conditions:
ZFHX2-related disorder. Also called: ZFHX2-related condition.

Allele frequency attached by ClinVar (database versions not stated): ExAC 0.00124; 1000 Genomes Project 0.00579; TOPMed 0.00623; 1000 Genomes Project 30x 0.00625.
gnomAD v4.1: 1,664 of 1,536,036 alleles (0.11%); highest among the groups gnomAD compares: African/African-American, 2%; 16 homozygotes.

Submission:

PreventionGenetics, part of Exact Sciences
Classification: Benign for ZFHX2-related condition. Last evaluated: 2019-02-21. Review status: no assertion criteria provided. Collection method: clinical testing. Allele origin: germline.
Comment: This variant is classified as benign based on ACMG/AMP sequence variant interpretation guidelines (Richards et al. 2015 PMID: 25741868, with internal and published modifications).

NM_033400.3(ZFHX2):c.4584G>A (p.Pro1528=)

Genes: THTPA (thiamine triphosphatase; plus strand), ZFHX2 (zinc finger homeobox 2; minus strand). Cytogenetic location: 14q11.2.
Variant type: single nucleotide variant.
Coding change: c.4584G>A on transcript NM_033400.3 (MANE Select); coding-DNA position 4584, G replaced by A.
Protein change: p.Pro1528=; no amino-acid change (proline 1528 retained).
Molecular consequence: synonymous variant.
Genome position (GRCh38, 1-based): chr14:23,525,358, C>T on the plus strand (G>A on the coding strand, the complement: ZFHX2 is on the minus strand). VCF-style: chr14-23525358-C-T. GRCh37 (hg19) VCF-style: chr14-23994567-C-T.
Identifiers: ClinVar variation 3039130 (VCV003039130.2), dbSNP rs116043865, ClinGen allele CA7116931.